The following is an entry in ClinVar:

ClinVar aggregate classification (germline): Likely benign. Review status: criteria provided, multiple submitters, no conflicts (2 of 4 stars). 2 submissions from 2 submitters: Likely benign (2). Last evaluated 2025-09-16.

Conditions:
Atypical glycine encephalopathy. Also called: Glycine encephalopathy with normal serum glycine. Identifiers: Orphanet 289863, MedGen C4310943, MONDO:0015010, OMIM 617301.
SLC6A9-related disorder. Also called: SLC6A9-related condition.

Allele frequency attached by ClinVar (database versions not stated): gnomAD exomes 0.00003; TOPMed 0.00003; ExAC 0.00004; gnomAD 0.00007; 1000 Genomes Project 30x 0.00062; 1000 Genomes Project 0.00080.
gnomAD v4.1: 57 of 1,614,174 alleles (0.0035%); highest among the groups gnomAD compares: South Asian, 0.011%; no homozygotes.

Submissions (2):

PreventionGenetics, part of Exact Sciences
Classification: Likely benign for SLC6A9-related condition. Last evaluated: 2025-09-16. Review status: criteria provided, single submitter. Criteria: ACMG Guidelines, 2015. Collection method: clinical testing. Allele origin: germline.
Comment: This variant is classified as likely benign based on ACMG/AMP sequence variant interpretation guidelines (Richards et al. 2015 PMID: 25741868, with internal and published modifications).

Labcorp Genetics (formerly Invitae), Labcorp
Classification: Likely benign for Atypical glycine encephalopathy. Last evaluated: 2024-09-06. Review status: criteria provided, single submitter. Criteria: Invitae Variant Classification Sherloc (09022015). Collection method: clinical testing. Allele origin: germline.

NM_001024845.3(SLC6A9):c.744G>A (p.Thr248=)

Gene: SLC6A9 (solute carrier family 6 member 9; minus strand). Cytogenetic location: 1p34.1.
Variant type: single nucleotide variant.
Coding change: c.744G>A on transcript NM_001024845.3 (MANE Select); coding-DNA position 744, G replaced by A.
Protein change: p.Thr248=; no amino-acid change (threonine 248 retained).
Molecular consequence: synonymous variant. On other transcripts: non-coding transcript variant (1).
Genome position (GRCh38, 1-based): chr1:44,002,626, C>T on the plus strand (G>A on the coding strand, the complement: SLC6A9 is on the minus strand). VCF-style: chr1-44002626-C-T. GRCh37 (hg19) VCF-style: chr1-44468298-C-T.
Other names: c.963G>A (NM_201649.3); c.756G>A, p.Thr252= (NM_001261380.2); c.411G>A, p.Thr137= (NM_001328626.2, NM_001328630.2); c.681G>A, p.Thr227= (NM_001328627.1); c.549G>A, p.Thr183= (NM_001328628.1); c.744G>A, p.Thr248= (NM_001328629.1); c.801G>A, p.Thr267= (NM_006934.4); c.963G>A, p.Thr321= (NM_201649.4).
Identifiers: ClinVar variation 2077192 (VCV002077192.5), dbSNP rs113051677, ClinGen allele CA817705.